The following is an entry in ClinVar:

NM_031935.3(HMCN1):c.15364C>T (p.His5122Tyr)

Gene: HMCN1 (hemicentin 1; plus strand). Cytogenetic location: 1q31.1.
Variant type: single nucleotide variant.
Coding change: c.15364C>T on transcript NM_031935.3 (MANE Select); coding-DNA position 15364, C replaced by T.
Protein change: p.His5122Tyr; replaces histidine 5122 with tyrosine.
Molecular consequence: missense variant.
Genome position (GRCh38, 1-based): chr1:186,166,228, C>T. VCF-style: chr1-186166228-C-T. GRCh37 (hg19) VCF-style: chr1-186135360-C-T.
Other names: short protein forms H5122Y.
Identifiers: ClinVar variation 1975891 (VCV001975891.5), dbSNP rs768737922, ClinGen allele CA1295230.

ClinVar aggregate classification (germline): Uncertain significance (1 of 4 stars; one submission).

Allele frequency attached by ClinVar (database versions not stated): TOPMed below 0.00001; ExAC 0.00001; gnomAD exomes 0.00001.
gnomAD v4.1: 3 of 1,613,962 alleles (0.00019%); highest among the groups gnomAD compares: African/African-American, 0.0027%; no homozygotes.

Submission:

Labcorp Genetics (formerly Invitae), Labcorp
Classification: Uncertain significance. Last evaluated: 2025-05-19. Review status: criteria provided, single submitter. Criteria: Invitae Variant Classification Sherloc (09022015). Collection method: clinical testing. Allele origin: germline.
Comment: This sequence change replaces histidine, which is basic and polar, with tyrosine, which is neutral and polar, at codon 5122 of the HMCN1 protein (p.His5122Tyr). This variant is present in population databases (rs768737922, gnomAD 0.006%). This variant has not been reported in the literature in individuals affected with HMCN1-related conditions. ClinVar contains an entry for this variant (Variation ID: 1975891). An algorithm developed to predict the effect of missense changes on protein structure and function (PolyPhen-2) suggests that this variant is likely to be tolerated. In summary, the available evidence is currently insufficient to determine the role of this variant in disease. Therefore, it has been classified as a Variant of Uncertain Significance.